The following is an entry in ClinVar:

ClinVar aggregate classification (germline): Likely benign. Review status: criteria provided, multiple submitters, no conflicts (2 of 4 stars). 4 submissions from 4 submitters: Likely benign (4). Last evaluated 2023-10-09.

Conditions:
Classic or attenuated familial adenomatous polyposis. Identifiers: MedGen CN372698, MONDO:0021057.
Hereditary cancer-predisposing syndrome. Also called: Neoplastic Syndromes, Hereditary; Tumor predisposition; Hereditary Cancer Syndrome; Hereditary neoplastic syndrome. Identifiers: Orphanet 140162, MedGen C0027672, MeSH D009386, MONDO:0015356.
Familial adenomatous polyposis 1 (FAP1). Also called: FAMILIAL ADENOMATOUS POLYPOSIS 1, ATTENUATED; POLYPOSIS, ADENOMATOUS INTESTINAL. Identifiers: MedGen C2713442, MONDO:0021056, OMIM 175100. Disease mechanism: loss of function.

Allele frequency attached by ClinVar (database versions not stated): TOPMed below 0.00001; gnomAD 0.00001.
gnomAD v4.1: 1 of 1,614,072 alleles (0.000062%); highest among the groups gnomAD compares: Non-Finnish European, 0.000085%; no homozygotes.

Submissions (4):

Labcorp Genetics (formerly Invitae), Labcorp
Classification: Likely benign for Familial adenomatous polyposis 1. Last evaluated: 2023-10-09. Review status: criteria provided, single submitter. Criteria: Invitae Variant Classification Sherloc (09022015). Collection method: clinical testing. Allele origin: germline.

All of Us Research Program, National Institutes of Health
Classification: Likely benign for Classic or attenuated familial adenomatous polyposis. Last evaluated: 2023-08-28. Review status: criteria provided, single submitter. Criteria: ACMG Guidelines, 2015. Collection method: clinical testing. Allele origin: germline. Inheritance: Autosomal dominant inheritance. Observed: 1 variant allele, 1 heterozygote.
Comment: This study involves interpretation of variants in research participants for the purpose of population health screening. Participant phenotype was not available at the time of variant classification. Additional details can be found in publication PMID: 35346344, PMCID: PMC8962531

Color Diagnostics, LLC DBA Color Health
Classification: Likely benign for Hereditary cancer-predisposing syndrome. Last evaluated: 2023-01-13. Review status: criteria provided, single submitter. Criteria: ACMG Guidelines, 2015. Collection method: clinical testing. Allele origin: germline.

Ambry Genetics
Classification: Likely benign for Hereditary cancer-predisposing syndrome. Last evaluated: 2016-02-03. Review status: criteria provided, single submitter. Criteria: Ambry Variant Classification Scheme 2023. Collection method: clinical testing. Allele origin: germline.

NM_000038.6(APC):c.2415A>G (p.Arg805=)

Gene: APC (APC regulator of Wnt signaling pathway; plus strand). Cytogenetic location: 5q22.2.
Variant type: single nucleotide variant.
Coding change: c.2415A>G on transcript NM_000038.6 (MANE Select); coding-DNA position 2415, A replaced by G.
Protein change: p.Arg805=; no amino-acid change (arginine 805 retained).
Molecular consequence: synonymous variant.
Genome position (GRCh38, 1-based): chr5:112,838,009, A>G. VCF-style: chr5-112838009-A-G. GRCh37 (hg19) VCF-style: chr5-112173706-A-G.
Other names: c.2415A>G, p.Arg805= (NM_001127510.3, NM_001354895.2); c.2361A>G, p.Arg787= (NM_001127511.3); c.2469A>G, p.Arg823= (NM_001354896.2); c.2445A>G, p.Arg815= (NM_001354897.2); c.2340A>G, p.Arg780= (NM_001354898.2); c.2331A>G, p.Arg777= (NM_001354899.2); c.2292A>G, p.Arg764= (NM_001354900.2); c.2238A>G, p.Arg746= (NM_001354901.2); and 5 more.
Identifiers: ClinVar variation 482307 (VCV000482307.15), dbSNP rs940992617, ClinGen allele CA445963464.